The following is an entry in ClinVar:

NM_004006.3(DMD):c.5209C>T (p.Gln1737Ter)

Gene: DMD (dystrophin; minus strand). Cytogenetic location: Xp21.1.
Variant type: single nucleotide variant.
Coding change: c.5209C>T on transcript NM_004006.3 (MANE Select); coding-DNA position 5209, C replaced by T.
Protein change: p.Gln1737Ter; replaces glutamine 1737 with a stop codon.
Molecular consequence: nonsense.
Genome position (GRCh38, 1-based): chrX:32,362,904, G>A on the plus strand (C>T on the coding strand, the complement: DMD is on the minus strand). VCF-style: chrX-32362904-G-A. GRCh37 (hg19) VCF-style: chrX-32381021-G-A.
Other names: c.5185C>T, p.Gln1729Ter (NM_000109.4); c.5197C>T, p.Gln1733Ter (NM_004009.3); c.4840C>T, p.Gln1614Ter (NM_004010.3); c.1186C>T, p.Gln396Ter (NM_004011.4); c.1177C>T, p.Gln393Ter (NM_004012.4); short protein forms Q1614*, Q1729*, Q1733*, Q1737*, Q393*, Q396*.
Identifiers: ClinVar variation 1322715 (VCV001322715.6), dbSNP rs2147234195, ClinGen allele CA412671283.
Genomic context (GRCh38, chrX:32,362,904, plus strand): 5'-TTTGGGGCTCTACTAATTTCCTGCAGTGGTCACCGCGGTTTGCCATCAAGTTTGCTGCTT[G>A]GTCACGTGTAGAGTCCACCTTTGGGCGTATGTCATTCAGTTCTGCCTTTAAACGCTATAT-3'

ClinVar aggregate classification (germline): Pathogenic (1 of 4 stars; one submission).

Conditions:
Duchenne muscular dystrophy (DMD). Also called: MUSCULAR DYSTROPHY, PSEUDOHYPERTROPHIC PROGRESSIVE, DUCHENNE TYPE; Duchenne Muscular Dystrophy (DMD). Identifiers: Orphanet 98896, MedGen C0013264, MONDO:0010679, OMIM 310200.

Submission:

Labcorp Genetics (formerly Invitae), Labcorp
Classification: Pathogenic for Duchenne muscular dystrophy. Last evaluated: 2023-11-09. Review status: criteria provided, single submitter. Criteria: Invitae Variant Classification Sherloc (09022015). Collection method: clinical testing. Allele origin: germline.
Comment: This sequence change creates a premature translational stop signal (p.Gln1737*) in the DMD gene. It is expected to result in an absent or disrupted protein product. Loss-of-function variants in DMD are known to be pathogenic (PMID: 16770791, 25007885). This variant is not present in population databases (gnomAD no frequency). This premature translational stop signal has been observed in individual(s) with Duchenne muscular dystrophy (PMID: 19959795). ClinVar contains an entry for this variant (Variation ID: 1322715). Algorithms developed to predict the effect of sequence changes on RNA splicing suggest that this variant may disrupt the consensus splice site. For these reasons, this variant has been classified as Pathogenic.

Literature cited by the submitters: PubMed 16770791; PubMed 25007885; PubMed 19959795.